The following is an entry in ClinVar:

ClinVar aggregate classification (germline): Pathogenic (1 of 4 stars; one submission).

Conditions:
Hereditary cancer-predisposing syndrome. Also called: Neoplastic Syndromes, Hereditary; Tumor predisposition; Hereditary Cancer Syndrome; Hereditary neoplastic syndrome. Identifiers: Orphanet 140162, MedGen C0027672, MeSH D009386, MONDO:0015356.

Submission:

Ambry Genetics
Classification: Pathogenic for Hereditary cancer-predisposing syndrome. Last evaluated: 2025-10-13. Review status: criteria provided, single submitter. Criteria: Ambry Variant Classification Scheme 2023. Collection method: clinical testing. Allele origin: germline.
Comment: The c.1739dupA pathogenic mutation, located in coding exon 14 of the BAP1 gene, results from a duplication of A at nucleotide position 1739, causing a translational frameshift with a predicted alternate stop codon (p.S582Ffs*61). This variant is considered to be rare based on population cohorts in the Genome Aggregation Database (gnomAD). This alteration is expected to result in loss of function by premature protein truncation or nonsense-mediated mRNA decay. As such, this alteration is interpreted as a disease-causing mutation.

NM_004656.4(BAP1):c.1739dup (p.Ser582fs)

Gene: BAP1 (BRCA1 associated deubiquitinase 1; minus strand). Cytogenetic location: 3p21.1.
Variant type: Duplication.
Coding change: c.1739dup on transcript NM_004656.4 (MANE Select); coding-DNA position 1739, one base duplicated (A; older notation c.1739dupA).
Protein change: p.Ser582fs; shifts the reading frame from serine 582.
Molecular consequence: frameshift variant.
Genome position (GRCh38, 1-based): chr3:52,403,289, T duplicated on the plus strand (A on the coding strand, the reverse complement: BAP1 is on the minus strand); the first of 2 consecutive T bases (chr3:52,403,289-52,403,290); duplicating either gives the same sequence. VCF-style (leftmost placement, unchanged base first): chr3-52403288-C-CT. GRCh37 (hg19) VCF-style: chr3-52437304-C-CT.
Other names: c.1685dup, p.Ser564fs (NM_001410772.1); c.1739dupA (NM_004656.2); short protein forms S582fs, S564fs.
Identifiers: ClinVar variation 4620586 (VCV004620586.1).